The following is an entry in ClinVar:

NM_001267550.2(TTN):c.4979T>G (p.Leu1660Ter)

Gene: TTN (titin; minus strand). Cytogenetic location: 2q31.2.
Variant type: single nucleotide variant.
Coding change: c.4979T>G on transcript NM_001267550.2 (MANE Select); coding-DNA position 4979, T replaced by G.
Protein change: p.Leu1660Ter; replaces leucine 1660 with a stop codon.
Molecular consequence: nonsense.
Genome position (GRCh38, 1-based): chr2:178,776,885, A>C on the plus strand (T>G on the coding strand, the complement: TTN is on the minus strand). VCF-style: chr2-178776885-A-C. GRCh37 (hg19) VCF-style: chr2-179641612-A-C.
Other names: c.4979T>G, p.Leu1660Ter (NM_001256850.1, NM_133378.4, NM_133379.5); c.4841T>G, p.Leu1614Ter (NM_003319.4, NM_133432.3, NM_133437.4); short protein forms L1614*, L1660*.
Identifiers: ClinVar variation 2952071 (VCV002952071.3), dbSNP rs2532903182, ClinGen allele CA349458466.

ClinVar aggregate classification (germline): Likely pathogenic (1 of 4 stars; one submission).

Conditions:
Dilated cardiomyopathy 1G (CMD1G). Identifiers: Orphanet 154, MedGen C1858763, MONDO:0011400, OMIM 604145.
Autosomal recessive limb-girdle muscular dystrophy type 2J (LGMDR10). Also called: Limb-girdle muscular dystrophy, type 2J; MUSCULAR DYSTROPHY, LIMB-GIRDLE, AUTOSOMAL RECESSIVE 10. Identifiers: Orphanet 140922, MedGen C1837342, MONDO:0012127, OMIM 608807.

Submission:

Labcorp Genetics (formerly Invitae), Labcorp
Classification: Likely pathogenic for Dilated cardiomyopathy 1G; Autosomal recessive limb-girdle muscular dystrophy type 2J. Last evaluated: 2024-02-22. Review status: criteria provided, single submitter. Criteria: Invitae Variant Classification Sherloc (09022015). Collection method: clinical testing. Allele origin: germline.
Comment: This sequence change creates a premature translational stop signal (p.Leu1660*) in the TTN gene. While this is not anticipated to result in nonsense mediated decay, it is expected to create a truncated TTN protein. This variant is not present in population databases (gnomAD no frequency). This variant has not been reported in the literature in individuals affected with TTN-related conditions. This variant is located in the Z band of TTN (PMID: 25589632). Truncating variants in this region have been reported in individuals affected with autosomal recessive centronuclear myopathy (PMID: 33449170, Invitae internal data). Truncating variants in this region have also been identified in individuals affected with autosomal dominant dilated cardiomyopathy and/or cardio-related conditions (PMID: 27869827, 32964742, Invitae internal data). In summary, the currently available evidence indicates that the variant is pathogenic, but additional data are needed to prove that conclusively. Therefore, this variant has been classified as Likely Pathogenic.

Literature cited by the submitters: PubMed 25589632; PubMed 33449170; PubMed 27869827; PubMed 32964742.